The following is an entry in ClinVar:

NM_016169.4(SUFU):c.273C>G (p.Ile91Met)

Gene: SUFU (SUFU negative regulator of hedgehog signaling; plus strand). Cytogenetic location: 10q24.32.
Variant type: single nucleotide variant.
Coding change: c.273C>G on transcript NM_016169.4 (MANE Select); coding-DNA position 273, C replaced by G.
Protein change: p.Ile91Met; replaces isoleucine 91 with methionine.
Molecular consequence: missense variant.
Genome position (GRCh38, 1-based): chr10:102,509,259, C>G. VCF-style: chr10-102509259-C-G. GRCh37 (hg19) VCF-style: chr10-104269016-C-G.
Other names: c.273C>G (NM_016169.3); c.273C>G, p.Ile91Met (NM_001178133.2); short protein forms I91M.
Identifiers: ClinVar variation 1041321 (VCV001041321.10), dbSNP rs2062369595, ClinGen allele CA377888945.
Genomic context (GRCh38, chr10:102,509,259, plus strand): 5'-TAGCATGTACAGGAATGTGGGGAGCCCTTCTGCTAACATCCCCGAGCACTGGCACTACAT[C>G]AGCTTCGGCCTGAGTGATCTCTATGGTGACAACAGAGTCCATGAGTGAGTATATGCCACC-3'
Protein context (NP_057253.2, residues 81-101): SANIPEHWHY[Ile91Met]SFGLSDLYGD

ClinVar aggregate classification (germline): Uncertain significance. Review status: criteria provided, multiple submitters, no conflicts (2 of 4 stars). 2 submissions from 2 submitters: Uncertain significance (2). Last evaluated 2026-07-06.

Conditions:
Gorlin syndrome. Also called: Nevoid Basal Cell Carcinoma Syndrome; Basal cell nevus syndrome. Identifiers: Orphanet 377, MedGen C0004779, MONDO:0007187.
Medulloblastoma (MDB). Also called: MEDULLOBLASTOMA PREDISPOSITION SYNDROME; Medulloblastoma, somatic. Identifiers: Orphanet 616, MedGen C0025149, MeSH D008527, MONDO:0007959, OMIM 155255, HP:0002885.
Hereditary cancer-predisposing syndrome. Also called: Tumor predisposition; Hereditary Cancer Syndrome; Hereditary neoplastic syndrome; Neoplastic Syndromes, Hereditary. Identifiers: Orphanet 140162, MedGen C0027672, MeSH D009386, MONDO:0015356.

Allele frequency attached by ClinVar (database versions not stated): gnomAD exomes below 0.00001.
gnomAD v4.1: 1 of 1,614,224 alleles (0.000062%); highest among the groups gnomAD compares: African/African-American, 0.0013%; no homozygotes.

Submissions (2):

Ambry Genetics
Classification: Uncertain significance for Hereditary cancer-predisposing syndrome. Last evaluated: 2026-07-06. Review status: criteria provided, single submitter. Criteria: Ambry Variant Classification Scheme 2023. Collection method: clinical testing. Allele origin: germline.
Comment: The p.I91M variant (also known as c.273C>G), located in coding exon 2 of the SUFU gene, results from a C to G substitution at nucleotide position 273. The isoleucine at codon 91 is replaced by methionine, an amino acid with highly similar properties. This amino acid position is conserved. In addition, the in silico prediction for this alteration is inconclusive. Based on the available evidence, the clinical significance of this variant remains unclear.

Labcorp Genetics (formerly Invitae), Labcorp
Classification: Uncertain significance for Gorlin syndrome; Medulloblastoma. Last evaluated: 2025-08-03. Review status: criteria provided, single submitter. Criteria: Invitae Variant Classification Sherloc (09022015). Collection method: clinical testing. Allele origin: germline.
Comment: This sequence change replaces isoleucine, which is neutral and non-polar, with methionine, which is neutral and non-polar, at codon 91 of the SUFU protein (p.Ile91Met). This variant is not present in population databases (gnomAD no frequency). This variant has not been reported in the literature in individuals affected with SUFU-related conditions. ClinVar contains an entry for this variant (Variation ID: 1041321). Invitae Evidence Modeling of protein sequence and biophysical properties (such as structural, functional, and spatial information, amino acid conservation, physicochemical variation, residue mobility, and thermodynamic stability) indicates that this missense variant is not expected to disrupt SUFU protein function with a negative predictive value of 80%. In summary, the available evidence is currently insufficient to determine the role of this variant in disease. Therefore, it has been classified as a Variant of Uncertain Significance.